The following is an entry in ClinVar:

ClinVar aggregate classification (germline): Uncertain significance. Review status: criteria provided, multiple submitters, no conflicts (2 of 4 stars). 3 submissions from 3 submitters: Uncertain significance (3). Last evaluated 2023-12-05.

Conditions:
Hereditary cancer-predisposing syndrome. Also called: Hereditary Cancer Syndrome; Hereditary neoplastic syndrome; Neoplastic Syndromes, Hereditary; Tumor predisposition. Identifiers: Orphanet 140162, MedGen C0027672, MeSH D009386, MONDO:0015356.
Ataxia-telangiectasia syndrome (AT). Also called: Ataxia-telangiectasia, complementation group E; LOUIS-BAR SYNDROME; Cerebello-oculocutaneous telangiectasia; Immunodeficiency with ataxia telangiectasia; Ataxia-telangiectasia, complementation group D; AT, COMPLEMENTATION GROUP C. Identifiers: Orphanet 100, MedGen C0004135, MONDO:0008840, OMIM 208900.

Allele frequency attached by ClinVar (database versions not stated): gnomAD exomes below 0.00001.
gnomAD v4.1: 1 of 1,611,648 alleles (0.000062%); highest among the groups gnomAD compares: Non-Finnish European, 0.000085%; no homozygotes.

Submissions (3):

Color Diagnostics, LLC DBA Color Health
Classification: Uncertain significance for Hereditary cancer-predisposing syndrome. Last evaluated: 2023-12-05. Review status: criteria provided, single submitter. Criteria: ACMG Guidelines, 2015. Collection method: clinical testing. Allele origin: germline.
Comment: This missense variant replaces aspartic acid with glycine at codon 58 of the ATM protein. Computational prediction suggests that this variant may not impact protein structure and function (internally defined REVEL score threshold <= 0.5, PMID: 27666373). To our knowledge, functional studies have not been reported for this variant. This variant has not been reported in individuals affected with ATM-related disorders in the literature. This variant has not been identified in the general population by the Genome Aggregation Database (gnomAD). The available evidence is insufficient to determine the role of this variant in disease conclusively. Therefore, this variant is classified as a Variant of Uncertain Significance.

Ambry Genetics
Classification: Uncertain significance for Hereditary cancer-predisposing syndrome. Last evaluated: 2022-06-08. Review status: criteria provided, single submitter. Criteria: Ambry Variant Classification Scheme 2023. Collection method: clinical testing. Allele origin: germline.
Comment: The p.D58G variant (also known as c.173A>G), located in coding exon 2 of the ATM gene, results from an A to G substitution at nucleotide position 173. The aspartic acid at codon 58 is replaced by glycine, an amino acid with similar properties. This amino acid position is highly conserved in available vertebrate species. In addition, this alteration is predicted to be deleterious by in silico analysis. Since supporting evidence is limited at this time, the clinical significance of this alteration remains unclear.

Labcorp Genetics (formerly Invitae), Labcorp
Classification: Uncertain significance for Ataxia-telangiectasia syndrome. Last evaluated: 2021-09-01. Review status: criteria provided, single submitter. Criteria: Invitae Variant Classification Sherloc (09022015). Collection method: clinical testing. Allele origin: germline.
Comment: This sequence change replaces aspartic acid with glycine at codon 58 of the ATM protein (p.Asp58Gly). The aspartic acid residue is highly conserved and there is a moderate physicochemical difference between aspartic acid and glycine. This variant is not present in population databases (ExAC no frequency). This variant has not been reported in the literature in individuals affected with ATM-related conditions. Algorithms developed to predict the effect of missense changes on protein structure and function are either unavailable or do not agree on the potential impact of this missense change (SIFT: "Deleterious"; PolyPhen-2: "Probably Damaging"; Align-GVGD: "Class C0"). In summary, the available evidence is currently insufficient to determine the role of this variant in disease. Therefore, it has been classified as a Variant of Uncertain Significance.

NM_000051.4(ATM):c.173A>G (p.Asp58Gly)

Gene: ATM (ATM serine/threonine kinase; plus strand). Cytogenetic location: 11q22.3.
Variant type: single nucleotide variant.
Coding change: c.173A>G on transcript NM_000051.4 (MANE Select); coding-DNA position 173, A replaced by G.
Protein change: p.Asp58Gly; replaces aspartic acid 58 with glycine.
Molecular consequence: missense variant.
Genome position (GRCh38, 1-based): chr11:108,227,876, A>G. VCF-style: chr11-108227876-A-G. GRCh37 (hg19) VCF-style: chr11-108098603-A-G.
Other names: c.173A>G, p.Asp58Gly (NM_001351834.2, NM_001351835.2, NM_001351836.2); short protein forms D58G.
Identifiers: ClinVar variation 920128 (VCV000920128.13), dbSNP rs1378701359, ClinGen allele CA382520540.